The following is an entry in ClinVar:

NM_001035.3(RYR2):c.8543A>G (p.Tyr2848Cys)

Gene: RYR2 (ryanodine receptor 2; plus strand). Cytogenetic location: 1q43.
Variant type: single nucleotide variant.
Coding change: c.8543A>G on transcript NM_001035.3 (MANE Select); coding-DNA position 8543, A replaced by G.
Protein change: p.Tyr2848Cys; replaces tyrosine 2848 with cysteine.
Molecular consequence: missense variant.
Genome position (GRCh38, 1-based): chr1:237,667,911, A>G. VCF-style: chr1-237667911-A-G. GRCh37 (hg19) VCF-style: chr1-237831211-A-G.
Other names: short protein forms Y2848C.
Identifiers: ClinVar variation 1440538 (VCV001440538.9), dbSNP rs2148878470, ClinGen allele CA345402461.

ClinVar aggregate classification (germline): Uncertain significance. Review status: criteria provided, multiple submitters, no conflicts (2 of 4 stars). 3 submissions from 3 submitters: Uncertain significance (3). Last evaluated 2023-04-10.

Conditions:
Catecholaminergic polymorphic ventricular tachycardia (CVPT). Also called: Catecholamine-induced polymorphic ventricular tachycardia. Identifiers: Orphanet 3286, MedGen C5574922, MONDO:0017990.
Catecholaminergic polymorphic ventricular tachycardia 1. Also called: VENTRICULAR TACHYCARDIA, CATECHOLAMINERGIC POLYMORPHIC, 1, WITH OR WITHOUT ATRIAL DYSFUNCTION AND/OR DILATED CARDIOMYOPATHY; RYR2-Related Catecholaminergic Polymorphic Ventricular Tachycardia; VENTRICULAR TACHYCARDIA, STRESS-INDUCED POLYMORPHIC 1. Identifiers: Orphanet 3286, MedGen C1631597, MONDO:0011484, OMIM 604772.
Arrhythmogenic right ventricular dysplasia 2. Identifiers: MedGen C1832931.
Ventricular arrhythmias due to cardiac ryanodine receptor calcium release deficiency syndrome. Also called: Autosomal dominant cardiac arrhythmia (Kuhn). Identifiers: MedGen C5542154, MONDO:0020745, OMIM 115000.

Submissions (3):

All of Us Research Program, National Institutes of Health
Classification: Uncertain significance for Catecholaminergic polymorphic ventricular tachycardia. Last evaluated: 2023-04-10. Review status: criteria provided, single submitter. Criteria: ACMG Guidelines, 2015. Collection method: clinical testing. Allele origin: germline. Inheritance: Autosomal dominant inheritance. Observed: 1 variant allele, 1 heterozygote.
Comment: This missense variant replaces tyrosine with cysteine at codon 2848 of the RYR2 protein. Computational prediction suggests that this variant may have deleterious impact on protein structure and function (internally defined REVEL score threshold >= 0.7, PMID: 27666373). To our knowledge, functional studies have not been reported for this variant. This variant has not been reported in individuals affected with RYR2-related disorders in the literature. This variant has not been identified in the general population by the Genome Aggregation Database (gnomAD). The available evidence is insufficient to determine the role of this variant in disease conclusively. Therefore, this variant is classified as a Variant of Uncertain Significance.

This study involves interpretation of variants in research participants for the purpose of population health screening. Participant phenotype was not available at the time of variant classification. Additional details can be found in publication PMID: 35346344, PMCID: PMC8962531

Fulgent Genetics
Classification: Uncertain significance for Ventricular arrhythmias due to cardiac ryanodine receptor calcium release deficiency syndrome; Catecholaminergic polymorphic ventricular tachycardia 1. Last evaluated: 2021-12-30. Review status: criteria provided, single submitter. Criteria: ACMG Guidelines, 2015. Collection method: clinical testing. Allele origin: unknown.

Labcorp Genetics (formerly Invitae), Labcorp
Classification: Uncertain significance for Catecholaminergic polymorphic ventricular tachycardia 1. Last evaluated: 2021-07-28. Review status: criteria provided, single submitter. Criteria: Invitae Variant Classification Sherloc (09022015). Collection method: clinical testing. Allele origin: germline.
Comment: In summary, the available evidence is currently insufficient to determine the role of this variant in disease. Therefore, it has been classified as a Variant of Uncertain Significance. Advanced modeling of protein sequence and biophysical properties (such as structural, functional, and spatial information, amino acid conservation, physicochemical variation, residue mobility, and thermodynamic stability) performed at Invitae indicates that this missense variant is expected to disrupt RYR2 protein function. This variant has not been reported in the literature in individuals affected with RYR2-related conditions. This variant is not present in population databases (ExAC no frequency). This sequence change replaces tyrosine with cysteine at codon 2848 of the RYR2 protein (p.Tyr2848Cys). The tyrosine residue is highly conserved and there is a large physicochemical difference between tyrosine and cysteine.